The following is an entry in ClinVar:

NM_005732.4(RAD50):c.3542A>G (p.Asn1181Ser)

Genes: RAD50 (RAD50 double strand break repair protein; plus strand), TH2-LCR (Th2 cytokine locus control region; plus strand), TH2LCRR (T helper type 2 locus control region associated RNA; minus strand). Cytogenetic location: 5q31.1.
Variant type: single nucleotide variant.
Coding change: c.3542A>G on transcript NM_005732.4 (MANE Select); coding-DNA position 3542, A replaced by G.
Protein change: p.Asn1181Ser; replaces asparagine 1181 with serine.
Molecular consequence: missense variant. On other transcripts: non-coding transcript variant (2).
Genome position (GRCh38, 1-based): chr5:132,638,147, A>G. VCF-style: chr5-132638147-A-G. GRCh37 (hg19) VCF-style: chr5-131973839-A-G.
Other names: short protein forms N1181S.
Identifiers: ClinVar variation 5027750 (VCV005027750.1).

ClinVar aggregate classification (germline): Uncertain significance (1 of 4 stars; one submission).

Conditions:
Hereditary cancer-predisposing syndrome. Also called: Neoplastic Syndromes, Hereditary; Tumor predisposition; Hereditary neoplastic syndrome; Hereditary Cancer Syndrome. Identifiers: Orphanet 140162, MedGen C0027672, MeSH D009386, MONDO:0015356.

Submission:

Ambry Genetics
Classification: Uncertain significance for Hereditary cancer-predisposing syndrome. Last evaluated: 2026-09-14. Review status: criteria provided, single submitter. Criteria: Ambry Variant Classification Scheme 2023. Collection method: clinical testing. Allele origin: germline.
Comment: The p.N1181S variant (also known as c.3542A>G), located in coding exon 23 of the RAD50 gene, results from an A to G substitution at nucleotide position 3542. The asparagine at codon 1181 is replaced by serine, an amino acid with highly similar properties. This amino acid position is conserved. In addition, this alteration is predicted to be tolerated by in silico analysis. Based on the available evidence, the clinical significance of this variant remains unclear.